The following is an entry in ClinVar:

ClinVar aggregate classification (germline): Uncertain significance (1 of 4 stars; one submission).

Conditions:
Hereditary cancer-predisposing syndrome. Also called: Hereditary Cancer Syndrome; Hereditary neoplastic syndrome; Neoplastic Syndromes, Hereditary; Tumor predisposition. Identifiers: Orphanet 140162, MedGen C0027672, MeSH D009386, MONDO:0015356.

Submission:

Ambry Genetics
Classification: Uncertain significance for Hereditary cancer-predisposing syndrome. Last evaluated: 2025-04-12. Review status: criteria provided, single submitter. Criteria: Ambry Variant Classification Scheme 2023. Collection method: clinical testing. Allele origin: germline.
Comment: The p.T408I variant (also known as c.1223C>T), located in coding exon 10 of the MRE11A gene, results from a C to T substitution at nucleotide position 1223. The threonine at codon 408 is replaced by isoleucine, an amino acid with similar properties. This amino acid position is conserved. In addition, this alteration is predicted to be tolerated by in silico analysis. Based on the available evidence, the clinical significance of this variant remains unclear.

NM_005591.4(MRE11):c.1223C>T (p.Thr408Ile)

Gene: MRE11 (MRE11 double strand break repair nuclease; minus strand). Cytogenetic location: 11q21.
Variant type: single nucleotide variant.
Coding change: c.1223C>T on transcript NM_005591.4 (MANE Select); coding-DNA position 1223, C replaced by T.
Protein change: p.Thr408Ile; replaces threonine 408 with isoleucine.
Molecular consequence: missense variant.
Genome position (GRCh38, 1-based): chr11:94,464,115, G>A on the plus strand (C>T on the coding strand, the complement: MRE11 is on the minus strand). VCF-style: chr11-94464115-G-A. GRCh37 (hg19) VCF-style: chr11-94197281-G-A.
Other names: c.1223C>T, p.Thr408Ile (NM_001330347.2, NM_005590.4); short protein forms T408I.
Identifiers: ClinVar variation 3912874 (VCV003912874.1).
Genomic context (GRCh38, chr11:94,464,115, plus strand): 5'-GATTCCTTCACAAATCCTATAAGAACATTTTTTTACCTCATAAAAATAACTAGCTTACCT[G>A]TTTTTTCCTTTTGTTCTCTATGCCTGAAAAAATGGATAATGTCTTTTGGATTAGCTACCC-3'
Protein context (NP_005582.1, residues 398-418): FFRHREQKEK[Thr408Ile]GEEINFGKLI